The following is an entry in ClinVar:

NM_000287.4(PEX6):c.185C>T (p.Ala62Val)

Gene: PEX6 (peroxisomal biogenesis factor 6; minus strand). Cytogenetic location: 6p21.1.
Variant type: single nucleotide variant.
Coding change: c.185C>T on transcript NM_000287.4 (MANE Select); coding-DNA position 185, C replaced by T.
Protein change: p.Ala62Val; replaces alanine 62 with valine.
Molecular consequence: missense variant. On other transcripts: non-coding transcript variant (1).
Genome position (GRCh38, 1-based): chr6:42,978,966, G>A on the plus strand (C>T on the coding strand, the complement: PEX6 is on the minus strand). VCF-style: chr6-42978966-G-A. GRCh37 (hg19) VCF-style: chr6-42946704-G-A.
Other names: c.185C>T, p.Ala62Val (NM_001316313.2); short protein forms A62V.
Identifiers: ClinVar variation 501339 (VCV000501339.8), dbSNP rs991131935, ClinGen allele CA138238672.
Genomic context (GRCh38, chr6:42,978,966, plus strand): 5'-CGCAGCAGCGCGCGGCTAACCAGTAGCTGCGGCGGCCCGGGACCCTGCTCTTCGGTGCCC[G>A]CGTCCGGCCCCTCCAGGGCTGCCACCAGCAGCGCCGGCCCTGCCGGGCTCTCCCCTGCAG-3'
Protein context (NP_000278.3, residues 52-72): LLVAALEGPD[Ala62Val]GTEEQGPGPP

ClinVar aggregate classification (germline): Uncertain significance. Review status: criteria provided, multiple submitters, no conflicts (2 of 4 stars). 3 submissions from 3 submitters: Uncertain significance (3). Last evaluated 2022-09-26.

Conditions:
Peroxisome biogenesis disorder. Identifiers: Orphanet 79189, MedGen C1832200, MONDO:0019234. Disease mechanism: loss of function.

Allele frequency attached by ClinVar (database versions not stated): gnomAD exomes below 0.00001; gnomAD 0.00003; TOPMed 0.00003; 1000 Genomes Project 30x 0.00016.
gnomAD v4.1: 11 of 1,497,032 alleles (0.00073%); highest among the groups gnomAD compares: African/African-American, 0.012%; no homozygotes.

Submissions (3):

Blueprint Genetics
Classification: Uncertain significance. Last evaluated: 2022-09-26. Review status: criteria provided, single submitter. Criteria: ACMG Guidelines, 2015. Collection method: clinical testing. Allele origin: germline.

Labcorp Genetics (formerly Invitae), Labcorp
Classification: Uncertain significance for Peroxisome biogenesis disorder. Last evaluated: 2022-08-21. Review status: criteria provided, single submitter. Criteria: Invitae Variant Classification Sherloc (09022015). Collection method: clinical testing. Allele origin: germline.
Comment: This sequence change replaces alanine, which is neutral and non-polar, with valine, which is neutral and non-polar, at codon 62 of the PEX6 protein (p.Ala62Val). The frequency data for this variant in the population databases is considered unreliable, as metrics indicate poor data quality at this position in the gnomAD database. This variant has not been reported in the literature in individuals affected with PEX6-related conditions. ClinVar contains an entry for this variant (Variation ID: 501339). Algorithms developed to predict the effect of missense changes on protein structure and function output the following: SIFT: "Tolerated"; PolyPhen-2: "Benign"; Align-GVGD: "Class C0". The valine amino acid residue is found in multiple mammalian species, which suggests that this missense change does not adversely affect protein function. Algorithms developed to predict the effect of sequence changes on RNA splicing suggest that this variant may create or strengthen a splice site. In summary, the available evidence is currently insufficient to determine the role of this variant in disease. Therefore, it has been classified as a Variant of Uncertain Significance.

Eurofins Ntd Llc (ga)
Classification: Uncertain significance. Last evaluated: 2017-04-10. Review status: criteria provided, single submitter. Criteria: EGL Classification Definitions 2015. Collection method: clinical testing. Allele origin: germline. Observed: 1 variant allele, 1 heterozygote.